The following is an entry in ClinVar:

ClinVar aggregate classification (germline): Uncertain significance. Review status: criteria provided, multiple submitters, no conflicts (2 of 4 stars). 2 submissions from 2 submitters: Uncertain significance (2). Last evaluated 2025-03-30.

Conditions:
Inborn genetic diseases. Identifiers: MedGen C0950123, MeSH D030342.
Leber congenital amaurosis 1 (LCA1). Also called: AMAUROSIS CONGENITA OF LEBER I; RETINAL BLINDNESS, CONGENITAL; Congenital absence of the rods and cones; Leber's congenital tapetoretinal degeneration; Leber's congenital tapetoretinal dysplasia. Identifiers: Orphanet 65, MedGen C2931258, MONDO:0008764, OMIM 204000.
Cone-rod dystrophy 6 (CORD6). Also called: RETINAL CONE DYSTROPHY 2; Cone dystrophy progressive. Identifiers: Orphanet 1872, MedGen C1866293, MONDO:0011143, OMIM 601777.

Allele frequency attached by ClinVar (database versions not stated): TOPMed below 0.00001; gnomAD 0.00001.

Submissions (2):

Labcorp Genetics (formerly Invitae), Labcorp
Classification: Uncertain significance for Leber congenital amaurosis 1; Cone-rod dystrophy 6. Last evaluated: 2025-03-30. Review status: criteria provided, single submitter. Criteria: Invitae Variant Classification Sherloc (09022015). Collection method: clinical testing. Allele origin: germline.
Comment: This sequence change replaces aspartic acid, which is acidic and polar, with tyrosine, which is neutral and polar, at codon 170 of the GUCY2D protein (p.Asp170Tyr). This variant is not present in population databases (gnomAD no frequency). This variant has not been reported in the literature in individuals affected with GUCY2D-related conditions. ClinVar contains an entry for this variant (Variation ID: 3103312). Invitae Evidence Modeling of protein sequence and biophysical properties (such as structural, functional, and spatial information, amino acid conservation, physicochemical variation, residue mobility, and thermodynamic stability) indicates that this missense variant is not expected to disrupt GUCY2D protein function with a negative predictive value of 80%. In summary, the available evidence is currently insufficient to determine the role of this variant in disease. Therefore, it has been classified as a Variant of Uncertain Significance.

Ambry Genetics
Classification: Uncertain significance for Inborn genetic diseases. Last evaluated: 2024-01-12. Review status: criteria provided, single submitter. Criteria: Ambry Variant Classification Scheme 2023. Collection method: clinical testing. Allele origin: germline.

NM_000180.4(GUCY2D):c.508G>T (p.Asp170Tyr)

Gene: GUCY2D (guanylate cyclase 2D, retinal; plus strand). Cytogenetic location: 17p13.1.
Variant type: single nucleotide variant.
Coding change: c.508G>T on transcript NM_000180.4 (MANE Select); coding-DNA position 508, G replaced by T.
Protein change: p.Asp170Tyr; replaces aspartic acid 170 with tyrosine.
Molecular consequence: missense variant.
Genome position (GRCh38, 1-based): chr17:8,003,555, G>T. VCF-style: chr17-8003555-G-T. GRCh37 (hg19) VCF-style: chr17-7906873-G-T.
Other names: short protein forms D170Y.
Identifiers: ClinVar variation 3103312 (VCV003103312.2), dbSNP rs1975676736, ClinGen allele CA397943966.